The following is an entry in ClinVar:

NM_001360016.2(G6PD):c.5C>T (p.Ala2Val)

Genes: G6PD (glucose-6-phosphate dehydrogenase; minus strand), IKBKG (inhibitor of nuclear factor kappa B kinase regulatory subunit gamma; plus strand). Cytogenetic location: Xq28.
Variant type: single nucleotide variant.
Coding change: c.5C>T on transcript NM_001360016.2 (MANE Select); coding-DNA position 5, C replaced by T.
Protein change: p.Ala2Val; replaces alanine 2 with valine.
Molecular consequence: missense variant. On other transcripts: intron variant (4).
Genome position (GRCh38, 1-based): chrX:154,546,151, G>A on the plus strand (C>T on the coding strand, the complement: G6PD is on the minus strand). VCF-style: chrX-154546151-G-A. GRCh37 (hg19) VCF-style: chrX-153774366-G-A.
Other names: c.189+3699G>A (NM_001099856.6); c.-16+3764G>A (NM_001321396.3); c.95C>T, p.Ala32Val (NM_000402.4); c.5C>T, p.Ala2Val (NM_001042351.3); c.-16+4760G>A (NM_001377312.1, NM_001377313.1); short protein forms A2V, A32V.
Identifiers: ClinVar variation 3650792 (VCV003650792.3).

ClinVar aggregate classification (germline): Uncertain significance (1 of 4 stars; one submission).

Conditions:
Anemia, nonspherocytic hemolytic, due to G6PD deficiency (CNSHA1). Also called: Hemolytic anemia due to G6PD deficiency; Class I glucose-6-phosphate dehydrogenase deficiency; Favism, susceptibility to; ANEMIA, CONGENITAL, NONSPHEROCYTIC HEMOLYTIC, 1. Identifiers: Orphanet 466026, MedGen C2720289, MONDO:0010480, OMIM 300908.

Submissions (2):

Labcorp Genetics (formerly Invitae), Labcorp
Classification: Uncertain significance for Anemia, nonspherocytic hemolytic, due to G6PD deficiency. Last evaluated: 2024-04-25. Review status: criteria provided, single submitter. Criteria: Invitae Variant Classification Sherloc (09022015). Collection method: clinical testing. Allele origin: germline.
Comment: This sequence change replaces alanine, which is neutral and non-polar, with valine, which is neutral and non-polar, at codon 2 of the G6PD protein (p.Ala2Val). This variant is not present in population databases (gnomAD no frequency). This variant has not been reported in the literature in individuals affected with G6PD-related conditions. An algorithm developed to predict the effect of missense changes on protein structure and function (PolyPhen-2) suggests that this variant is likely to be tolerated. In summary, the available evidence is currently insufficient to determine the role of this variant in disease. Therefore, it has been classified as a Variant of Uncertain Significance.

Dr. Peter K. Rogan Lab, Western University
No classification provided (evidence only). Condition: Thyroid cancer, nonmedullary, 1. Review status: no classification provided. Collection method: in vitro. Allele origin: not applicable. Functional consequence: retained intron. Not counted in ClinVar's aggregate classification.